The following is an entry in ClinVar:

ClinVar aggregate classification (germline): Uncertain significance (1 of 4 stars; one submission).

Conditions:
Cardiovascular phenotype. Identifiers: MedGen CN230736.

Submission:

Ambry Genetics
Classification: Uncertain significance for Cardiovascular phenotype. Last evaluated: 2021-08-27. Review status: criteria provided, single submitter. Criteria: Ambry Variant Classification Scheme 2023. Collection method: clinical testing. Allele origin: germline.
Comment: The p.A391S variant (also known as c.1171G>T), located in coding exon 9 of the VCL gene, results from a G to T substitution at nucleotide position 1171. The alanine at codon 391 is replaced by serine, an amino acid with similar properties. This amino acid position is conserved. In addition, the in silico prediction for this alteration is inconclusive. Since supporting evidence is limited at this time, the clinical significance of this alteration remains unclear.

NM_014000.3(VCL):c.1171G>T (p.Ala391Ser)

Gene: VCL (vinculin; plus strand). Cytogenetic location: 10q22.2.
Variant type: single nucleotide variant.
Coding change: c.1171G>T on transcript NM_014000.3 (MANE Select); coding-DNA position 1171, G replaced by T.
Protein change: p.Ala391Ser; replaces alanine 391 with serine.
Molecular consequence: missense variant.
Genome position (GRCh38, 1-based): chr10:74,089,344, G>T. VCF-style: chr10-74089344-G-T. GRCh37 (hg19) VCF-style: chr10-75849102-G-T.
Other names: c.1171G>T, p.Ala391Ser (NM_003373.4); short protein forms A391S.
Identifiers: ClinVar variation 1739787 (VCV001739787.2), dbSNP rs2549222772, ClinGen allele CA377272997.